The following is an entry in ClinVar:

ClinVar aggregate classification (germline): Uncertain significance (1 of 4 stars; one submission).

Submission:

Labcorp Genetics (formerly Invitae), Labcorp
Classification: Uncertain significance. Last evaluated: 2026-01-19. Review status: criteria provided, single submitter. Criteria: Invitae Variant Classification Sherloc (09022015). Collection method: clinical testing. Allele origin: germline.
Comment: This sequence change replaces arginine, which is basic and polar, with glutamine, which is neutral and polar, at codon 602 of the VPS11 protein (p.Arg602Gln). This variant is not present in population databases (gnomAD no frequency). This variant has not been reported in the literature in individuals affected with VPS11-related conditions. Invitae Evidence Modeling of protein sequence and biophysical properties (such as structural, functional, and spatial information, amino acid conservation, physicochemical variation, residue mobility, and thermodynamic stability) indicates that this missense variant is not expected to disrupt VPS11 protein function with a negative predictive value of 80%. In summary, the available evidence is currently insufficient to determine the role of this variant in disease. Therefore, it has been classified as a Variant of Uncertain Significance.

NM_021729.6(VPS11):c.1805G>A (p.Arg602Gln)

Gene: VPS11 (VPS11 core subunit of CORVET and HOPS complexes; plus strand). Cytogenetic location: 11q23.3.
Variant type: single nucleotide variant.
Coding change: c.1805G>A on transcript NM_021729.6 (MANE Select); coding-DNA position 1805, G replaced by A.
Protein change: p.Arg602Gln; replaces arginine 602 with glutamine.
Molecular consequence: missense variant. On other transcripts: non-coding transcript variant (8).
Genome position (GRCh38, 1-based): chr11:119,078,216, G>A. VCF-style: chr11-119078216-G-A. GRCh37 (hg19) VCF-style: chr11-118948926-G-A.
Other names: c.1817G>A, p.Arg606Gln (NM_001378219.1, NM_001378218.1); c.1790G>A, p.Arg597Gln (NM_001378220.1); c.1787G>A, p.Arg596Gln (NM_001378221.1); c.1775G>A, p.Arg592Gln (NM_001290185.2); short protein forms R597Q, R606Q, R596Q, R592Q, R602Q.
Identifiers: ClinVar variation 4760222 (VCV004760222.1).
Genomic context (GRCh38, chr11:119,078,216, plus strand): 5'-CTCTCTTGCCATCCTAGGCCAACTCTGAGGAGTTCATCCCCATCTTTGCCAATAACCCGC[G>A]AGAGCTGAAAGCCTTCCTAGAGCACATGAGTGAAGTGCAGCCAGACTCACCCCAGGGGAT-3'
Protein context (NP_068375.3, residues 592-612): EFIPIFANNP[Arg602Gln]ELKAFLEHMS